The following is an entry in ClinVar:

ClinVar aggregate classification (germline): Uncertain significance (1 of 4 stars; one submission).

Conditions:
Kabuki syndrome. Also called: Kabuki make-up syndrome; NIIKAWA-KUROKI SYNDROME. Identifiers: Orphanet 2322, MedGen C0796004, MONDO:0016512.

Submission:

Labcorp Genetics (formerly Invitae), Labcorp
Classification: Uncertain significance for Kabuki syndrome. Last evaluated: 2023-08-10. Review status: criteria provided, single submitter. Criteria: Invitae Variant Classification Sherloc (09022015). Collection method: clinical testing. Allele origin: germline.
Comment: Advanced modeling of protein sequence and biophysical properties (such as structural, functional, and spatial information, amino acid conservation, physicochemical variation, residue mobility, and thermodynamic stability) performed at Invitae indicates that this missense variant is not expected to disrupt KMT2D protein function. ClinVar contains an entry for this variant (Variation ID: 1410184). This variant has not been reported in the literature in individuals affected with KMT2D-related conditions. This variant is not present in population databases (gnomAD no frequency). This sequence change replaces glycine, which is neutral and non-polar, with alanine, which is neutral and non-polar, at codon 3301 of the KMT2D protein (p.Gly3301Ala). In summary, the available evidence is currently insufficient to determine the role of this variant in disease. Therefore, it has been classified as a Variant of Uncertain Significance.

NM_003482.4(KMT2D):c.9902G>C (p.Gly3301Ala)

Gene: KMT2D (lysine methyltransferase 2D; minus strand). Cytogenetic location: 12q13.12.
Variant type: single nucleotide variant.
Coding change: c.9902G>C on transcript NM_003482.4 (MANE Select); coding-DNA position 9902, G replaced by C.
Protein change: p.Gly3301Ala; replaces glycine 3301 with alanine.
Molecular consequence: missense variant.
Genome position (GRCh38, 1-based): chr12:49,037,454, C>G on the plus strand (G>C on the coding strand, the complement: KMT2D is on the minus strand). VCF-style: chr12-49037454-C-G. GRCh37 (hg19) VCF-style: chr12-49431237-C-G.
Other names: short protein forms G3301A.
Identifiers: ClinVar variation 1410184 (VCV001410184.6), dbSNP rs574890031, ClinGen allele CA384733907.